The following is an entry in ClinVar:

ClinVar aggregate classification (germline): Pathogenic (1 of 4 stars; one submission).

Conditions:
Hereditary cancer-predisposing syndrome. Also called: Neoplastic Syndromes, Hereditary; Tumor predisposition; Hereditary Cancer Syndrome; Hereditary neoplastic syndrome. Identifiers: Orphanet 140162, MedGen C0027672, MeSH D009386, MONDO:0015356.

Submission:

Ambry Genetics
Classification: Pathogenic for Hereditary cancer-predisposing syndrome. Last evaluated: 2017-06-14. Review status: criteria provided, single submitter. Criteria: Ambry Variant Classification Scheme 2023. Collection method: clinical testing. Allele origin: germline.
Comment: The p.C1675* pathogenic mutation (also known as c.5025T>A), located in coding exon 10 of the BRCA2 gene, results from a T to A substitution at nucleotide position 5025. This changes the amino acid from a cysteine to a stop codon within coding exon 10. This alteration is expected to result in loss of function by premature protein truncation or nonsense-mediated mRNA decay. As such, this alteration is interpreted as a disease-causing mutation.

NM_000059.4(BRCA2):c.5025T>A (p.Cys1675Ter)

Gene: BRCA2 (BRCA2 DNA repair associated; plus strand). Cytogenetic location: 13q13.1.
Variant type: single nucleotide variant.
Coding change: c.5025T>A on transcript NM_000059.4 (MANE Select); coding-DNA position 5025, T replaced by A.
Protein change: p.Cys1675Ter; replaces cysteine 1675 with a stop codon.
Molecular consequence: nonsense.
Genome position (GRCh38, 1-based): chr13:32,339,380, T>A. VCF-style: chr13-32339380-T-A. GRCh37 (hg19) VCF-style: chr13-32913517-T-A.
Other names: short protein forms C1675*.
Identifiers: ClinVar variation 483110 (VCV000483110.5), dbSNP rs370591460, ClinGen allele CA387783971.